The following is an entry in ClinVar:

NM_014780.5(CUL7):c.481A>G (p.Arg161Gly)

Gene: CUL7 (cullin 7; minus strand). Cytogenetic location: 6p21.1.
Variant type: single nucleotide variant.
Coding change: c.481A>G on transcript NM_014780.5 (MANE Select); coding-DNA position 481, A replaced by G.
Protein change: p.Arg161Gly; replaces arginine 161 with glycine.
Molecular consequence: missense variant.
Genome position (GRCh38, 1-based): chr6:43,052,308, T>C on the plus strand (A>G on the coding strand, the complement: CUL7 is on the minus strand). VCF-style: chr6-43052308-T-C. GRCh37 (hg19) VCF-style: chr6-43020046-T-C.
Other names: c.481A>G, p.Arg161Gly (NM_001168370.2, NM_001374872.1, NM_001374873.1 and 1 more transcripts); short protein forms R161G.
Identifiers: ClinVar variation 1714215 (VCV001714215.6), dbSNP rs760680349, ClinGen allele CA364229741.
Genomic context (GRCh38, chr6:43,052,308, plus strand): 5'-CACTCCAGCGAATCTGATAATCAGGACTACTCAACATGTGCATGAGCAAGTCCAGGACCC[T>C]TGGGTCCTTGAATACTCCAGTGAGGGGCTCAATGCTGGCATAGGCGCTGAGCACGTGGAC-3'
Protein context (NP_055595.2, residues 151-171): EPLTGVFKDP[Arg161Gly]VLDLLMHMLS

ClinVar aggregate classification (germline): Uncertain significance (1 of 4 stars; one submission).

Submission:

Labcorp Genetics (formerly Invitae), Labcorp
Classification: Uncertain significance. Last evaluated: 2025-05-16. Review status: criteria provided, single submitter. Criteria: Invitae Variant Classification Sherloc (09022015). Collection method: clinical testing. Allele origin: germline.
Comment: This sequence change replaces arginine, which is basic and polar, with glycine, which is neutral and non-polar, at codon 161 of the CUL7 protein (p.Arg161Gly). This variant is not present in population databases (gnomAD no frequency). This variant has not been reported in the literature in individuals affected with CUL7-related conditions. ClinVar contains an entry for this variant (Variation ID: 1714215). An algorithm developed to predict the effect of missense changes on protein structure and function outputs the following: PolyPhen-2: "Benign". The glycine amino acid residue is found in multiple mammalian species, which suggests that this missense change does not adversely affect protein function. In summary, the available evidence is currently insufficient to determine the role of this variant in disease. Therefore, it has been classified as a Variant of Uncertain Significance.